The following is an entry in ClinVar:

NM_001110556.2(FLNA):c.2020_2021del (p.Arg674fs)

Gene: FLNA (filamin A; minus strand). Cytogenetic location: Xq28.
Variant type: Deletion.
Coding change: c.2020_2021del on transcript NM_001110556.2 (MANE Select); coding-DNA positions 2020 to 2021, 2 bases deleted (AG; older notation c.2020_2021delAG).
Protein change: p.Arg674fs; shifts the reading frame from arginine 674.
Molecular consequence: frameshift variant.
Genome position (GRCh38, 1-based): chrX:154,364,527-154,364,528, CT deleted on the plus strand (AG on the coding strand, the reverse complement: FLNA is on the minus strand). VCF-style (leftmost placement, unchanged base first): chrX-154364526-CCT-C. GRCh37 (hg19) VCF-style: chrX-153592894-CCT-C.
Other names: c.2020_2021del, p.Arg674fs (NM_001456.4); short protein forms R674fs.
Identifiers: ClinVar variation 623183 (VCV000623183.2), dbSNP rs1569551783, ClinGen allele CA913191119.
Genomic context (GRCh38, chrX:154,364,526, plus strand): 5'-CACCAGACCCCAAGCAGGAGCAGCAGGGCGAGACTTAGGCCATCACAGCCTGCTCTTTAC[CCT>C]GTCTGGGTGGAAGTCCTGGGGCGCGTCACGGATGTCAGCCATGAAGGGGCTGAGGCGGAT-3'

ClinVar aggregate classification (germline): Pathogenic. Review status: criteria provided, multiple submitters, no conflicts (2 of 4 stars). 2 submissions from 2 submitters: Pathogenic (2). Last evaluated 2025-09-22.

Conditions:
FLNA related lung disease.
Heterotopia, periventricular, X-linked dominant (PVNH1). Also called: PERIVENTRICULAR NODULAR HETEROTOPIA 4; HETEROTOPIA, PERIVENTRICULAR, 1; PERIVENTRICULAR NODULAR HETEROTOPIA 1; X-linked periventricular heterotopia. Identifiers: Orphanet 2149, Orphanet 82004, MedGen C1848213, MONDO:0010233, OMIM 300049.
Oto-palato-digital syndrome, type II (OPD2). Also called: Otopalatodigital Syndrome, Type II; FACIOPALATOOSSEOUS SYNDROME; OPD II SYNDROME; Otopalatodigital Syndrome Type 2 (FLNA-OPD2). Identifiers: Orphanet 669, Orphanet 90652, MedGen C1844696, MONDO:0010571, OMIM 304120.
Melnick-Needles syndrome (MNS). Also called: MELNICK-NEEDLES OSTEODYSPLASTY; OSTEODYSPLASTY OF MELNICK AND NEEDLES; Melnick-Needles Syndrome (FLNA-MNS). Identifiers: Orphanet 2484, MedGen C0025237, MONDO:0010650, OMIM 309350.
Frontometaphyseal dysplasia (FMD1). Identifiers: Orphanet 1826, MedGen C0265293, MONDO:0015942.

Submissions (2):

Labcorp Genetics (formerly Invitae), Labcorp
Classification: Pathogenic for Oto-palato-digital syndrome, type II; Heterotopia, periventricular, X-linked dominant; Frontometaphyseal dysplasia; Melnick-Needles syndrome. Last evaluated: 2025-09-22. Review status: criteria provided, single submitter. Criteria: Invitae Variant Classification Sherloc (09022015). Collection method: clinical testing. Allele origin: germline.
Comment: This sequence change creates a premature translational stop signal (p.Arg674Glyfs*41) in the FLNA gene. It is expected to result in an absent or disrupted protein product. Loss-of-function variants in FLNA are known to be pathogenic (PMID: 16684786, 20730588, 26471271). This variant is not present in population databases (gnomAD no frequency). This premature translational stop signal has been observed in individual(s) with periventricular heterotopia (PMID: 30003023). ClinVar contains an entry for this variant (Variation ID: 623183). For these reasons, this variant has been classified as Pathogenic.

Molecular Diagnostics Laboratory, M Health Fairview: University of Minnesota
Classification: Pathogenic for FLNA related lung disease. Last evaluated: 2016-06-17. Review status: criteria provided, single submitter. Criteria: ACMG Guidelines, 2015. Collection method: clinical testing. Allele origin: germline. Affected: yes. Observed: 2 variant alleles.

Literature cited by the submitters: PubMed 16684786 (cited by Labcorp Genetics (formerly Invitae), Labcorp); PubMed 20730588 (cited by Labcorp Genetics (formerly Invitae), Labcorp); PubMed 26471271 (cited by Labcorp Genetics (formerly Invitae), Labcorp); PubMed 30003023 (cited by Labcorp Genetics (formerly Invitae), Labcorp); PubMed 27091362 (cited by Molecular Diagnostics Laboratory, M Health Fairview: University of Minnesota).